The following is an entry in ClinVar:

NM_001005242.3(PKP2):c.94C>A (p.Leu32Met)

Gene: PKP2 (plakophilin 2; minus strand). Cytogenetic location: 12p11.21.
Variant type: single nucleotide variant.
Coding change: c.94C>A on transcript NM_001005242.3 (MANE Select); coding-DNA position 94, C replaced by A.
Protein change: p.Leu32Met; replaces leucine 32 with methionine.
Molecular consequence: missense variant. On other transcripts: 5 prime UTR variant (4).
Genome position (GRCh38, 1-based): chr12:32,896,638, G>T on the plus strand (C>A on the coding strand, the complement: PKP2 is on the minus strand). VCF-style: chr12-32896638-G-T. GRCh37 (hg19) VCF-style: chr12-33049572-G-T.
Other names: p.Leu32Met; c.94C>A, p.Leu32Met (NM_001407155.1, NM_001407156.1, NM_001407157.1 and 2 more transcripts); c.-733C>A (NM_001407158.1, NM_001407162.1); c.-497C>A (NM_001407159.1, NM_001407160.1); short protein forms L32M.
Identifiers: ClinVar variation 2710127 (VCV002710127.4), dbSNP rs2541384760, ClinGen allele CA384371469.

ClinVar aggregate classification (germline): Uncertain significance. Review status: criteria provided, multiple submitters, no conflicts (2 of 4 stars). 2 submissions from 2 submitters: Uncertain significance (2). Last evaluated 2024-06-11.

Conditions:
Arrhythmogenic right ventricular dysplasia 9 (ARVD9). Also called: Arrhythmogenic Right Ventricular Dysplasia/Cardiomyopathy 9; ARRHYTHMOGENIC RIGHT VENTRICULAR DYSPLASIA, FAMILIAL, 9. Identifiers: MedGen C1836906, MONDO:0012180, OMIM 609040.

Submissions (2):

Labcorp Genetics (formerly Invitae), Labcorp
Classification: Uncertain significance for Arrhythmogenic right ventricular dysplasia 9. Last evaluated: 2024-06-11. Review status: criteria provided, single submitter. Criteria: Invitae Variant Classification Sherloc (09022015). Collection method: clinical testing. Allele origin: germline.
Comment: This sequence change replaces leucine, which is neutral and non-polar, with methionine, which is neutral and non-polar, at codon 32 of the PKP2 protein (p.Leu32Met). This variant is not present in population databases (gnomAD no frequency). This variant has not been reported in the literature in individuals affected with PKP2-related conditions. An algorithm developed to predict the effect of missense changes on protein structure and function (PolyPhen-2) suggests that this variant is likely to be disruptive. In summary, the available evidence is currently insufficient to determine the role of this variant in disease. Therefore, it has been classified as a Variant of Uncertain Significance.

Clinical Genomics Laboratory, Stanford Medicine
Classification: Uncertain significance for Arrhythmogenic right ventricular dysplasia 9. Last evaluated: 2021-07-26. Review status: criteria provided, single submitter. Criteria: ACMG Guidelines, 2015. Collection method: clinical testing. Allele origin: germline. Affected: yes. Observed: 1 heterozygote.
Comment: The p.Leu32Met variant in the PKP2gene has not been previously reported in association with disease. This variant was absent from large population databases, including the Genome Aggregation Database. The leucine at position 32 is evolutionarily conserved. Computationaltools do not predict that the p.Leu32Met variant impacts protein function; however, the accuracy of in silicoalgorithms is limited. These data were assessed using the ACMG/AMP variant interpretation guidelines. In summary, the significance of thep.Leu32Metvariant is uncertain. Additional information is needed to resolve the significance of this variant. [ACMG evidence codes used: PM2]